The following is an entry in ClinVar:

NM_206933.4(USH2A):c.6657+2T>G

Gene: USH2A (usherin; minus strand). Cytogenetic location: 1q41.
Variant type: single nucleotide variant.
Coding change: c.6657+2T>G on transcript NM_206933.4 (MANE Select); the canonical splice donor site of the intron after coding-DNA position 6657, T replaced by G.
Molecular consequence: splice donor variant.
Genome position (GRCh38, 1-based): chr1:215,998,885, A>C on the plus strand (T>G on the coding strand, the complement: USH2A is on the minus strand). VCF-style: chr1-215998885-A-C. GRCh37 (hg19) VCF-style: chr1-216172227-A-C.
Identifiers: ClinVar variation 1347295 (VCV001347295.6), dbSNP rs2102481774, ClinGen allele CA344860869.

ClinVar aggregate classification (germline): Pathogenic (1 of 4 stars; one submission).

Submission:

Labcorp Genetics (formerly Invitae), Labcorp
Classification: Pathogenic. Last evaluated: 2022-10-28. Review status: criteria provided, single submitter. Criteria: Invitae Variant Classification Sherloc (09022015). Collection method: clinical testing. Allele origin: germline.
Comment: This sequence change affects a donor splice site in intron 34 of the USH2A gene. It is expected to disrupt RNA splicing. Variants that disrupt the donor or acceptor splice site typically lead to a loss of protein function (PMID: 16199547), and loss-of-function variants in USH2A are known to be pathogenic (PMID: 10729113, 10909849, 20507924, 25649381). This variant is not present in population databases (gnomAD no frequency). Disruption of this splice site has been observed in individual(s) with Usher syndrome (PMID: 27460420). ClinVar contains an entry for this variant (Variation ID: 1347295). Algorithms developed to predict the effect of sequence changes on RNA splicing suggest that this variant may disrupt the consensus splice site. For these reasons, this variant has been classified as Pathogenic.

Literature cited by the submitters: PubMed 16199547; PubMed 10729113; PubMed 10909849; PubMed 20507924; PubMed 25649381; PubMed 27460420.